The following is an entry in ClinVar:

NC_000011.9:g.(?_118175668)_(118179176_?)del

Gene: CD3E (CD3 epsilon subunit of T-cell receptor complex; plus strand). Cytogenetic location: 11q23.3.
Variant type: Deletion.
Identifiers: ClinVar variation 2423383 (VCV002423383.4).

ClinVar aggregate classification (germline): Pathogenic (1 of 4 stars; one submission).

Conditions:
Immunodeficiency 18 (IMD18). Also called: CD3epsilon deficiency; CD3-EPSILON DEFICIENCY. Identifiers: MedGen C3810127, MONDO:0014278, OMIM 615615.

Submission:

Labcorp Genetics (formerly Invitae), Labcorp
Classification: Pathogenic for Immunodeficiency 18. Last evaluated: 2022-08-16. Review status: criteria provided, single submitter. Criteria: Invitae Variant Classification Sherloc (09022015). Collection method: clinical testing. Allele origin: germline.
Comment: For these reasons, this variant has been classified as Pathogenic. This variant has not been reported in the literature in individuals affected with CD3E-related conditions. This variant is a gross deletion of the genomic region encompassing exon(s) 2-4 of the CD3E gene, which includes the initiator codon. This deletion extends beyond the assayed region for this gene and therefore may encompass additional genes. It is expected to result in an absent or disrupted protein product. Loss-of-function variants in CD3E are known to be pathogenic (PMID: 8490660, 15546002).

Literature cited by the submitters: PubMed 8490660; PubMed 15546002.